The following is an entry in ClinVar:

ClinVar aggregate classification (germline): Pathogenic (1 of 4 stars; one submission).

Submission:

GeneDx
Classification: Pathogenic. Last evaluated: 2018-01-05. Review status: criteria provided, single submitter. Criteria: GeneDx Variant Classification (06012015). Collection method: clinical testing. Allele origin: germline. Affected: yes.
Comment: The c.441delC variant in the FAS gene has not been reported previously as a pathogenic variant nor as a benign variant, to our knowledge. The c.441delC variant causes a frameshift starting with codon Lysine 148, changes this amino acid to an Asparagine residue, and creates a premature Stop codon at position 39 of the new reading frame, denoted p.Lys148AsnfsX39. This variant is predicted to cause loss of normal protein function either through protein truncation or nonsense-mediated mRNA decay. The c.441delC variant is not observed in large population cohorts (Lek et al., 2016). We interpret c.441delC as a pathogenic variant.

NM_000043.6(FAS):c.441del (p.Lys148fs)

Gene: FAS (Fas cell surface death receptor; plus strand). Cytogenetic location: 10q23.31.
Variant type: Deletion.
Coding change: c.441del on transcript NM_000043.6 (MANE Select); coding-DNA position 441, one base deleted (C; older notation c.441delC).
Protein change: p.Lys148fs; shifts the reading frame from lysine 148.
Molecular consequence: frameshift variant. On other transcripts: non-coding transcript variant (1).
Genome position (GRCh38, 1-based): chr10:89,008,995, C deleted; the last of 2 consecutive C bases (chr10:89,008,994-89,008,995); deleting either gives the same sequence. VCF-style (leftmost placement, unchanged base first): chr10-89008993-AC-A. GRCh37 (hg19) VCF-style: chr10-90768750-AC-A.
Other names: c.441del (LRG_134t1); c.441del, p.Lys148fs (NM_001320619.2, NM_152871.4, NM_152872.4); short protein forms K148fs.
Identifiers: ClinVar variation 504015 (VCV000504015.2), dbSNP rs1554851356, ClinGen allele CA658797511.
Genomic context (GRCh38, chr10:89,008,993, plus strand): 5'-TGCAGATGTAAACCAAACTTTTTTTGTAACTCTACTGTATGTGAACACTGTGACCCTTGC[AC>A]CAAGTAAGTTTTAGTCTTTCTCTGATTAAAACACTAGATATAACATGAGAGTTATCATTT-3'